The following is an entry in ClinVar:

NM_004130.4(GYG1):c.820G>A (p.Val274Ile)

Gene: GYG1 (glycogenin 1; plus strand). Cytogenetic location: 3q24.
Variant type: single nucleotide variant.
Coding change: c.820G>A on transcript NM_004130.4 (MANE Select); coding-DNA position 820, G replaced by A.
Protein change: p.Val274Ile; replaces valine 274 with isoleucine.
Molecular consequence: missense variant. On other transcripts: intron variant (1).
Genome position (GRCh38, 1-based): chr3:149,024,264, G>A. VCF-style: chr3-149024264-G-A. GRCh37 (hg19) VCF-style: chr3-148742051-G-A.
Other names: c.820G>A, p.Val274Ile (NM_001184720.2); c.609-2496G>A (NM_001184721.2); short protein forms V274I.
Identifiers: ClinVar variation 1982680 (VCV001982680.4), dbSNP rs2472758207, ClinGen allele CA354908849.

ClinVar aggregate classification (germline): Uncertain significance (1 of 4 stars; one submission).

Conditions:
Glycogen storage disease XV (GSD15). Also called: GLYCOGENIN DEFICIENCY; GSD XV. Identifiers: Orphanet 263297, MedGen C3150754, MONDO:0013291, OMIM 613507.
Polyglucosan body myopathy type 2. Identifiers: Orphanet 456369, MedGen C4015452, MONDO:0014526, OMIM 616199.

Submission:

Labcorp Genetics (formerly Invitae), Labcorp
Classification: Uncertain significance for Polyglucosan body myopathy type 2; Glycogen storage disease XV. Last evaluated: 2021-12-30. Review status: criteria provided, single submitter. Criteria: Invitae Variant Classification Sherloc (09022015). Collection method: clinical testing. Allele origin: germline.
Comment: This variant has not been reported in the literature in individuals affected with GYG1-related conditions. In summary, the available evidence is currently insufficient to determine the role of this variant in disease. Therefore, it has been classified as a Variant of Uncertain Significance. Algorithms developed to predict the effect of missense changes on protein structure and function output the following: SIFT: "Tolerated"; PolyPhen-2: "Benign"; Align-GVGD: "Class C0". The isoleucine amino acid residue is found in multiple mammalian species, which suggests that this missense change does not adversely affect protein function. This variant is not present in population databases (gnomAD no frequency). This sequence change replaces valine, which is neutral and non-polar, with isoleucine, which is neutral and non-polar, at codon 274 of the GYG1 protein (p.Val274Ile).